The following is an entry in ClinVar:

NM_001035.3(RYR2):c.9128+5del

Gene: RYR2 (ryanodine receptor 2; plus strand). Cytogenetic location: 1q43.
Variant type: Deletion.
Coding change: c.9128+5del on transcript NM_001035.3 (MANE Select); 5 bases into the intron after coding-DNA position 9128, one base deleted (A; older notation c.9128+5delA).
Molecular consequence: intron variant.
Genome position (GRCh38, 1-based): chr1:237,699,030, A deleted; the last of 3 consecutive A bases (chr1:237,699,028-237,699,030); deleting any one gives the same sequence. VCF-style (leftmost placement, unchanged base first): chr1-237699027-TA-T. GRCh37 (hg19) VCF-style: chr1-237862327-TA-T.
Identifiers: ClinVar variation 518465 (VCV000518465.13), dbSNP rs1553289116, ClinGen allele CA658795639.

ClinVar aggregate classification (germline): Uncertain significance. Review status: criteria provided, multiple submitters, no conflicts (2 of 4 stars). 2 submissions from 2 submitters: Uncertain significance (2). Last evaluated 2020-06-26.

Conditions:
Cardiovascular phenotype. Identifiers: MedGen CN230736.
Catecholaminergic polymorphic ventricular tachycardia 1. Also called: RYR2-Related Catecholaminergic Polymorphic Ventricular Tachycardia; VENTRICULAR TACHYCARDIA, CATECHOLAMINERGIC POLYMORPHIC, 1, WITH OR WITHOUT ATRIAL DYSFUNCTION AND/OR DILATED CARDIOMYOPATHY; VENTRICULAR TACHYCARDIA, STRESS-INDUCED POLYMORPHIC 1. Identifiers: Orphanet 3286, MedGen C1631597, MONDO:0011484, OMIM 604772.

Submissions (2):

Labcorp Genetics (formerly Invitae), Labcorp
Classification: Uncertain significance for Catecholaminergic polymorphic ventricular tachycardia 1. Last evaluated: 2020-06-26. Review status: criteria provided, single submitter. Criteria: Invitae Variant Classification Sherloc (09022015). Collection method: clinical testing. Allele origin: germline.
Comment: In summary, the available evidence is currently insufficient to determine the role of this variant in disease. Therefore, it has been classified as a Variant of Uncertain Significance. Nucleotide substitutions within the consensus splice site are a relatively common cause of aberrant splicing (PMID: 17576681, 9536098). Algorithms developed to predict the effect of sequence changes on RNA splicing suggest that this variant is not likely to affect RNA splicing, but this prediction has not been confirmed by published transcriptional studies. This variant has not been reported in the literature in individuals with RYR2-related conditions. ClinVar contains an entry for this variant (Variation ID: 518465). This variant is not present in population databases (ExAC no frequency). This sequence change falls in intron 64 of the RYR2 gene. It does not directly change the encoded amino acid sequence of the RYR2 protein, but it affects a nucleotide within the consensus splice site of the intron.

Ambry Genetics
Classification: Uncertain significance for Cardiovascular phenotype. Last evaluated: 2016-06-10. Review status: criteria provided, single submitter. Criteria: Ambry Variant Classification Scheme 2023. Collection method: clinical testing. Allele origin: germline.
Comment: The c.9128+5delA intronic variant is located 5 nucleotides after coding exon 64 of the RYR2 gene. This variant results from a deletion of the nucleotide at position c.9128+5. This variant was not reported in population based cohorts in the following databases: Database of Single Nucleotide Polymorphisms (dbSNP), NHLBI Exome Sequencing Project (ESP), and 1000 Genomes Project. In the ESP, this variant was not observed in 5838 samples (11676 alleles) with coverage at this position. This nucleotide position is not well conserved in available vertebrate species. Using the BDGP and ESEfinder splice site prediction tools, this alteration is not predicted to have any significant effect on this splice donor site; however, direct evidence is unavailable. Since supporting evidence is limited at this time, the clinical significance of this variant remains unclear.

Literature cited by the submitters: PubMed 17576681 (cited by Labcorp Genetics (formerly Invitae), Labcorp); PubMed 9536098 (cited by Labcorp Genetics (formerly Invitae), Labcorp).